The following is an entry in ClinVar:

NM_001164508.2(NEB):c.2638C>T (p.Arg880Cys)

Gene: NEB (nebulin; minus strand). Cytogenetic location: 2q23.3.
Variant type: single nucleotide variant.
Coding change: c.2638C>T on transcript NM_001164508.2 (MANE Select); coding-DNA position 2638, C replaced by T.
Protein change: p.Arg880Cys; replaces arginine 880 with cysteine.
Molecular consequence: missense variant.
Genome position (GRCh38, 1-based): chr2:151,684,975, G>A on the plus strand (C>T on the coding strand, the complement: NEB is on the minus strand). VCF-style: chr2-151684975-G-A. GRCh37 (hg19) VCF-style: chr2-152541489-G-A.
Other names: c.2638C>T, p.Arg880Cys (NM_001164507.2, NM_001271208.2, NM_004543.5); short protein forms R880C.
Identifiers: ClinVar variation 950719 (VCV000950719.16), dbSNP rs371027084, ClinGen allele CA1911158.
Genomic context (GRCh38, chr2:151,684,975, plus strand): 5'-GCATATCAAGAGGTGCCGTGTAGATAGTTTTTGACTTTTCATAATCTTTTCGATATTCGC[G>A]CTGTGAATAGGAAATTATCATTTATTATCACAAATCCTCGATGGATTTCCAGAAAAGACA-3'
Protein context (NP_001157980.2, residues 870-890): SLKTAKNQSD[Arg880Cys]EYRKDYEKSK

ClinVar aggregate classification (germline): Uncertain significance. Review status: criteria provided, multiple submitters, no conflicts (2 of 4 stars). 4 submissions from 4 submitters: Uncertain significance (3). 1 of the submissions does not count toward it. Last evaluated 2025-03-27.

Conditions:
Nemaline myopathy 2 (NEM2). Also called: Nemaline myopathy 2, autosomal recessive. Identifiers: MedGen C1850569, MONDO:0009725, OMIM 256030.

Allele frequency attached by ClinVar (database versions not stated): gnomAD 0.00002 and 0.00003; gnomAD exomes 0.00002 and 0.00003; TOPMed 0.00003; ExAC 0.00005; ESP Exome Variant Server 0.00017.
gnomAD v4.1: 25 of 1,591,916 alleles (0.0016%); highest among the groups gnomAD compares: Admixed American, 0.0035%; no homozygotes.

Submissions (4):

GeneDx
Classification: Uncertain significance. Last evaluated: 2025-03-27. Review status: criteria provided, single submitter. Criteria: GeneDx Variant Classification Process June 2021. Collection method: clinical testing. Allele origin: germline. Affected: yes.
Comment: Not observed at significant frequency in large population cohorts (gnomAD); In silico analysis supports that this missense variant has a deleterious effect on protein structure/function; Has not been previously published as pathogenic or benign to our knowledge

Labcorp Genetics (formerly Invitae), Labcorp
Classification: Uncertain significance for Nemaline myopathy 2. Last evaluated: 2025-01-27. Review status: criteria provided, single submitter. Criteria: Invitae Variant Classification Sherloc (09022015). Collection method: clinical testing. Allele origin: germline.
Comment: This sequence change replaces arginine, which is basic and polar, with cysteine, which is neutral and slightly polar, at codon 880 of the NEB protein (p.Arg880Cys). The frequency data for this variant in the population databases is considered unreliable, as metrics indicate poor data quality at this position in the gnomAD database. This variant has not been reported in the literature in individuals affected with NEB-related conditions. ClinVar contains an entry for this variant (Variation ID: 950719). Experimental studies and prediction algorithms are not available or were not evaluated, and the functional significance of this variant is currently unknown. In summary, the available evidence is currently insufficient to determine the role of this variant in disease. Therefore, it has been classified as a Variant of Uncertain Significance.

Revvity Omics, Revvity
Classification: Uncertain significance. Last evaluated: 2021-05-26. Review status: criteria provided, single submitter. Criteria: ACMG Guidelines, 2015. Collection method: clinical testing. Allele origin: germline.

Natera, Inc.
Classification: Uncertain significance for Nemaline myopathy type 2. Last evaluated: 2020-08-01. Review status: no assertion criteria provided. Collection method: clinical testing. Allele origin: germline. Not counted in ClinVar's aggregate classification.